The following is an entry in ClinVar:

ClinVar aggregate classification (germline): Likely benign. Review status: criteria provided, multiple submitters, no conflicts (2 of 4 stars). 2 submissions from 2 submitters: Likely benign (2). Last evaluated 2018-06-19.

Conditions:
Long QT syndrome 12 (LQT12). Identifiers: Orphanet 101016, Orphanet 768, MedGen C2751830, MONDO:0013062, OMIM 612955.

Allele frequency attached by ClinVar (database versions not stated): TOPMed 0.00705; gnomAD 0.00728 and 0.00671; 1000 Genomes Project 0.00499; 1000 Genomes Project 30x 0.00531; gnomAD exomes 0.00074.

Submissions (2):

GeneDx
Classification: Likely benign. Last evaluated: 2018-06-19. Review status: criteria provided, single submitter. Criteria: GeneDx Variant Classification (06012015). Collection method: clinical testing. Allele origin: germline. Affected: yes.
Comment: This variant is considered likely benign or benign based on one or more of the following criteria: it is a conservative change, it occurs at a poorly conserved position in the protein, it is predicted to be benign by multiple in silico algorithms, and/or has population frequency not consistent with disease.

Illumina Laboratory Services, Illumina
Classification: Likely benign for Long QT syndrome 12. Last evaluated: 2018-01-12. Review status: criteria provided, single submitter. Criteria: ICSL Variant Classification Criteria 13 December 2019. Collection method: clinical testing. Allele origin: germline.
Comment: This variant was observed in the ICSL laboratory as part of a predisposition screen in an ostensibly healthy population. It had not been previously curated by ICSL or reported in the Human Gene Mutation Database (HGMD: prior to June 1st, 2018), and was therefore a candidate for classification through an automated scoring system. Utilizing variant allele frequency, disease prevalence and penetrance estimates, and inheritance mode, an automated score was calculated to assess if this variant is too frequent to cause the disease. Based on the score and internal cut-off values, a variant classified as likely benign is not then subjected to further curation. The score for this variant resulted in a classification of likely benign for this disease.

NM_003098.2(SNTA1):c.-245C>A

Genes: SNTA1 (syntrophin alpha 1; minus strand), LOC130065680 (ATAC-STARR-seq lymphoblastoid silent region 12812; plus strand). Cytogenetic location: 20q11.21.
Variant type: single nucleotide variant.
Coding change: c.-245C>A on transcript NM_003098.2; 245 bases upstream of the start codon, C replaced by A.
Genome position (GRCh38, 1-based): chr20:33,443,865, G>T on the plus strand (C>A on the coding strand, the complement: SNTA1 is on the minus strand). VCF-style: chr20-33443865-G-T. GRCh37 (hg19) VCF-style: chr20-32031671-G-T.
Identifiers: ClinVar variation 675720 (VCV000675720.7), dbSNP rs531929083, ClinGen allele CA313279366.